The following is an entry in ClinVar:

ClinVar aggregate classification (germline): Uncertain significance (1 of 4 stars; one submission).

Submission:

GeneDx
Classification: Uncertain significance. Last evaluated: 2021-06-02. Review status: criteria provided, single submitter. Criteria: GeneDx Variant Classification Process June 2021. Collection method: clinical testing. Allele origin: germline. Affected: yes.
Comment: Not observed at significant frequency in large population cohorts (Lek et al., 2016); In silico analysis supports that this missense variant has a deleterious effect on protein structure/function; Has not been previously published as pathogenic or benign to our knowledge; This variant is associated with the following publications: (PMID: 27535533)

NM_001961.4(EEF2):c.2449T>G (p.Trp817Gly)

Gene: EEF2 (eukaryotic translation elongation factor 2; minus strand). Cytogenetic location: 19p13.3.
Variant type: single nucleotide variant.
Coding change: c.2449T>G on transcript NM_001961.4 (MANE Select); coding-DNA position 2449, T replaced by G.
Protein change: p.Trp817Gly; replaces tryptophan 817 with glycine.
Molecular consequence: missense variant.
Genome position (GRCh38, 1-based): chr19:3,976,682, A>C on the plus strand (T>G on the coding strand, the complement: EEF2 is on the minus strand). VCF-style: chr19-3976682-A-C. GRCh37 (hg19) VCF-style: chr19-3976680-A-C.
Other names: short protein forms W817G.
Identifiers: ClinVar variation 1327226 (VCV001327226.2), dbSNP rs1599189540, ClinGen allele CA403388635.